The following is an entry in ClinVar:

NM_000222.3(KIT):c.658A>T (p.Ser220Cys)

Gene: KIT (KIT proto-oncogene, receptor tyrosine kinase; plus strand). Cytogenetic location: 4q12.
Variant type: single nucleotide variant.
Coding change: c.658A>T on transcript NM_000222.3 (MANE Select); coding-DNA position 658, A replaced by T.
Protein change: p.Ser220Cys; replaces serine 220 with cysteine.
Molecular consequence: missense variant.
Genome position (GRCh38, 1-based): chr4:54,699,668, A>T. VCF-style: chr4-54699668-A-T. GRCh37 (hg19) VCF-style: chr4-55565834-A-T.
Other names: c.658A>T, p.Ser220Cys (NM_001093772.2, NM_001385284.1, NM_001385285.1 and 4 more transcripts); short protein forms S220C.
Identifiers: ClinVar variation 409737 (VCV000409737.9), dbSNP rs1060502549, ClinGen allele CA16611538.

ClinVar aggregate classification (germline): Uncertain significance (1 of 4 stars; one submission).

Conditions:
Gastrointestinal stromal tumor. Also called: Gastrointestinal stroma tumor; Gastrointestinal stromal tumor, somatic. Identifiers: Orphanet 44890, MedGen C0238198, MeSH D046152, MONDO:0011719, OMIM 606764, HP:0100723.

Submission:

Labcorp Genetics (formerly Invitae), Labcorp
Classification: Uncertain significance for Gastrointestinal stromal tumor. Last evaluated: 2016-10-21. Review status: criteria provided, single submitter. Criteria: Invitae Variant Classification Sherloc (09022015). Collection method: clinical testing. Allele origin: germline.
Comment: In summary, this variant is a novel missense change that is not predicted to affect protein function. There is no indication that it causes disease, but the available evidence is currently insufficient to prove that conclusively. Therefore, it has been classified as a Variant of Uncertain Significance. Algorithms developed to predict the effect of missense changes on protein structure and function (SIFT, PolyPhen-2, Align-GVGD) all suggest that this variant is likely to be tolerated, but these predictions have not been confirmed by published functional studies. This variant is not present in population databases (ExAC no frequency) and has not been reported in the literature in individuals with a KIT-related disease. This sequence change replaces serine with cysteine at codon 220 of the KIT protein (p.Ser220Cys). The serine residue is moderately conserved and there is a moderate physicochemical difference between serine and cysteine.